The following is an entry in ClinVar:

ClinVar aggregate classification (germline): Uncertain significance (1 of 4 stars; one submission).

Conditions:
Progressive myoclonic epilepsy type 5. Identifiers: Orphanet 402082, MedGen C5190799.

Allele frequency attached by ClinVar (database versions not stated): ExAC 0.00001.
gnomAD v4.1: 1 of 1,614,256 alleles (0.000062%); highest among the groups gnomAD compares: Admixed American, 0.0017%; no homozygotes.

Submission:

Labcorp Genetics (formerly Invitae), Labcorp
Classification: Uncertain significance for Progressive myoclonic epilepsy type 5. Last evaluated: 2023-04-26. Review status: criteria provided, single submitter. Criteria: Invitae Variant Classification Sherloc (09022015). Collection method: clinical testing. Allele origin: germline.
Comment: Advanced modeling of protein sequence and biophysical properties (such as structural, functional, and spatial information, amino acid conservation, physicochemical variation, residue mobility, and thermodynamic stability) performed at Invitae indicates that this missense variant is not expected to disrupt PRICKLE2 protein function. In summary, the available evidence is currently insufficient to determine the role of this variant in disease. Therefore, it has been classified as a Variant of Uncertain Significance. This variant has not been reported in the literature in individuals affected with PRICKLE2-related conditions. This variant is present in population databases (rs777982538, gnomAD 0.003%). This sequence change replaces asparagine, which is neutral and polar, with lysine, which is basic and polar, at codon 353 of the PRICKLE2 protein (p.Asn353Lys).

NM_198859.4(PRICKLE2):c.1059C>A (p.Asn353Lys)

Gene: PRICKLE2 (prickle planar cell polarity protein 2; minus strand). Cytogenetic location: 3p14.1.
Variant type: single nucleotide variant.
Coding change: c.1059C>A on transcript NM_198859.4 (MANE Select); coding-DNA position 1059, C replaced by A.
Protein change: p.Asn353Lys; replaces asparagine 353 with lysine.
Molecular consequence: missense variant.
Genome position (GRCh38, 1-based): chr3:64,147,431, G>T on the plus strand (C>A on the coding strand, the complement: PRICKLE2 is on the minus strand). VCF-style: chr3-64147431-G-T. GRCh37 (hg19) VCF-style: chr3-64133107-G-T.
Other names: c.1059C>A, p.Asn353Lys (NM_001370528.1); short protein forms N353K.
Identifiers: ClinVar variation 2732168 (VCV002732168.3), dbSNP rs777982538, ClinGen allele CA2479695.